The following is an entry in ClinVar:

NM_004787.4(SLIT2):c.1505C>T (p.Ala502Val)

Gene: SLIT2 (slit guidance ligand 2; plus strand). Cytogenetic location: 4p15.31.
Variant type: single nucleotide variant.
Coding change: c.1505C>T on transcript NM_004787.4 (MANE Select); coding-DNA position 1505, C replaced by T.
Protein change: p.Ala502Val; replaces alanine 502 with valine.
Molecular consequence: missense variant.
Genome position (GRCh38, 1-based): chr4:20,528,991, C>T. VCF-style: chr4-20528991-C-T. GRCh37 (hg19) VCF-style: chr4-20530614-C-T.
Other names: c.1493C>T, p.Ala498Val (NM_001289135.3); c.1481C>T, p.Ala494Val (NM_001289136.3); short protein forms A494V, A498V, A502V.
Identifiers: ClinVar variation 2634793 (VCV002634793.4), dbSNP rs374199333, ClinGen allele CA2871519.
Genomic context (GRCh38, chr4:20,528,991, plus strand): 5'-GGTTTGAATTCTCAATAGGTACAGAAGATTATCGATCAAAATTAAGTGGAGACTGCTTTG[C>T]GGATCTGGCTTGCCCTGAAAAGTGTCGCTGTGAAGGAACCACAGTAGATTGCTCTAATCA-3'
Protein context (NP_004778.1, residues 492-512): YRSKLSGDCF[Ala502Val]DLACPEKCRC

ClinVar aggregate classification (germline): Uncertain significance. Review status: criteria provided, multiple submitters, no conflicts (2 of 4 stars). 2 submissions from 2 submitters: Uncertain significance (2). Last evaluated 2024-02-16.

Conditions:
SLIT2-related disorder. Also called: SLIT2-related condition.

Allele frequency attached by ClinVar (database versions not stated): ESP Exome Variant Server 0.00015.
gnomAD v4.1: 34 of 1,613,588 alleles (0.0021%); highest among the groups gnomAD compares: African/African-American, 0.016%; no homozygotes.

Submissions (2):

Labcorp Genetics (formerly Invitae), Labcorp
Classification: Uncertain significance. Last evaluated: 2024-02-16. Review status: criteria provided, single submitter. Criteria: Invitae Variant Classification Sherloc (09022015). Collection method: clinical testing. Allele origin: germline.
Comment: This sequence change replaces alanine, which is neutral and non-polar, with valine, which is neutral and non-polar, at codon 502 of the SLIT2 protein (p.Ala502Val). This variant is present in population databases (rs374199333, gnomAD 0.04%). This variant has not been reported in the literature in individuals affected with SLIT2-related conditions. ClinVar contains an entry for this variant (Variation ID: 2634793). An algorithm developed to predict the effect of missense changes on protein structure and function (PolyPhen-2) suggests that this variant is likely to be disruptive. In summary, the available evidence is currently insufficient to determine the role of this variant in disease. Therefore, it has been classified as a Variant of Uncertain Significance.

PreventionGenetics, part of Exact Sciences
Classification: Uncertain significance for SLIT2-related condition. Last evaluated: 2023-05-16. Review status: criteria provided, single submitter. Criteria: ACMG Guidelines, 2015. Collection method: clinical testing. Allele origin: germline.
Comment: The SLIT2 c.1505C>T variant is predicted to result in the amino acid substitution p.Ala502Val. To our knowledge, this variant has not been reported in the literature. This variant is reported in 0.035% of alleles in individuals of East Asian descent in gnomAD. At this time, the clinical significance of this variant is uncertain due to the absence of conclusive functional and genetic evidence.